The following is an entry in ClinVar:

ClinVar aggregate classification (germline): Uncertain significance. Review status: criteria provided, multiple submitters, no conflicts (2 of 4 stars). 2 submissions from 2 submitters: Uncertain significance (2). Last evaluated 2026-01-07.

Conditions:
CBL-related disorder. Also called: CBL MUTATION-ASSOCIATED SYNDROME; CBL SYNDROME; NOONAN SYNDROME-LIKE DISORDER WITHOUT JUVENILE MYELOMONOCYTIC LEUKEMIA. Identifiers: Orphanet 363972, MedGen C3150803, MONDO:0013308, OMIM 613563.
RASopathy. Also called: rasopathies; Noonan spectrum disorder. Identifiers: Orphanet 536391, MedGen C5555857, MONDO:0021060.

gnomAD v4.1: 8 of 1,613,704 alleles (0.0005%); highest among the groups gnomAD compares: East Asian, 0.0089%; no homozygotes.

Submissions (2):

Labcorp Genetics (formerly Invitae), Labcorp
Classification: Uncertain significance for RASopathy. Last evaluated: 2026-01-07. Review status: criteria provided, single submitter. Criteria: Invitae Variant Classification Sherloc (09022015). Collection method: clinical testing. Allele origin: germline.
Comment: This sequence change falls in intron 15 of the CBL gene. It does not directly change the encoded amino acid sequence of the CBL protein. It affects a nucleotide within the consensus splice site. This variant is present in population databases (no rsID available, gnomAD 0.02%). This variant has not been reported in the literature in individuals affected with CBL-related conditions. Variants that disrupt the consensus splice site are a relatively common cause of aberrant splicing (PMID: 17576681, 9536098). Algorithms developed to predict the effect of sequence changes on RNA splicing suggest that this variant may disrupt the consensus splice site. In summary, the available evidence is currently insufficient to determine the role of this variant in disease. Therefore, it has been classified as a Variant of Uncertain Significance.

PreventionGenetics, part of Exact Sciences
Classification: Uncertain significance for CBL-related condition. Last evaluated: 2025-03-31. Review status: criteria provided, single submitter. Criteria: ACMG Guidelines, 2015. Collection method: clinical testing. Allele origin: germline.
Comment: The CBL c.2435-2A>G variant is predicted to disrupt the AG splice acceptor site and interfere with normal splicing. However, this variant is located in the last exon of the CBL gene. To our knowledge, this variant has not been reported in the literature. This variant is reported in 0.016% of alleles in individuals of East Asian descent in gnomAD. At this time, the clinical significance of this variant is uncertain due to the absence of conclusive functional and genetic evidence.

Literature cited by the submitters: PubMed 17576681 (cited by Labcorp Genetics (formerly Invitae), Labcorp); PubMed 9536098 (cited by Labcorp Genetics (formerly Invitae), Labcorp).

NM_005188.4(CBL):c.2435-2A>G

Gene: CBL (Cbl proto-oncogene; plus strand). Cytogenetic location: 11q23.3.
Variant type: single nucleotide variant.
Coding change: c.2435-2A>G on transcript NM_005188.4 (MANE Select); the canonical splice acceptor site of the intron before coding-DNA position 2435, A replaced by G.
Molecular consequence: splice acceptor variant.
Genome position (GRCh38, 1-based): chr11:119,299,493, A>G. VCF-style: chr11-119299493-A-G. GRCh37 (hg19) VCF-style: chr11-119170203-A-G.
Other names: c.2435-2A>G (NM_005188.3).
Identifiers: ClinVar variation 4803557 (VCV004803557.2).